The following is an entry in ClinVar:

ClinVar aggregate classification (germline): Uncertain significance (1 of 4 stars; one submission).

Submission:

Labcorp Genetics (formerly Invitae), Labcorp
Classification: Uncertain significance. Last evaluated: 2024-05-28. Review status: criteria provided, single submitter. Criteria: Invitae Variant Classification Sherloc (09022015). Collection method: clinical testing. Allele origin: germline.
Comment: This sequence change replaces tyrosine, which is neutral and polar, with asparagine, which is neutral and polar, at codon 301 of the FRMD7 protein (p.Tyr301Asn). This variant is not present in population databases (gnomAD no frequency). This variant has not been reported in the literature in individuals affected with FRMD7-related conditions. An algorithm developed to predict the effect of missense changes on protein structure and function (PolyPhen-2) suggests that this variant is likely to be disruptive. This variant disrupts the p.Tyr301 amino acid residue in FRMD7. Other variant(s) that disrupt this residue have been determined to be pathogenic (PMID: 17013395, 29145603). This suggests that this residue is clinically significant, and that variants that disrupt this residue are likely to be disease-causing. In summary, the available evidence is currently insufficient to determine the role of this variant in disease. Therefore, it has been classified as a Variant of Uncertain Significance.

Literature cited by the submitters: PubMed 17013395; PubMed 29145603.

NM_194277.3(FRMD7):c.901T>A (p.Tyr301Asn)

Gene: FRMD7 (FERM domain containing 7; minus strand). Cytogenetic location: Xq26.2.
Variant type: single nucleotide variant.
Coding change: c.901T>A on transcript NM_194277.3 (MANE Select); coding-DNA position 901, T replaced by A.
Protein change: p.Tyr301Asn; replaces tyrosine 301 with asparagine.
Molecular consequence: missense variant.
Genome position (GRCh38, 1-based): chrX:132,082,367, A>T on the plus strand (T>A on the coding strand, the complement: FRMD7 is on the minus strand). VCF-style: chrX-132082367-A-T. GRCh37 (hg19) VCF-style: chrX-131216395-A-T.
Other names: c.856T>A, p.Tyr286Asn (NM_001306193.2); short protein forms Y286N, Y301N.
Identifiers: ClinVar variation 3654288 (VCV003654288.2).